The following is an entry in ClinVar:

NM_014629.4(ARHGEF10):c.1537G>A (p.Ala513Thr)

Gene: ARHGEF10 (Rho guanine nucleotide exchange factor 10; plus strand). Cytogenetic location: 8p23.3.
Variant type: single nucleotide variant.
Coding change: c.1537G>A on transcript NM_014629.4 (MANE Select); coding-DNA position 1537, G replaced by A.
Protein change: p.Ala513Thr; replaces alanine 513 with threonine.
Molecular consequence: missense variant.
Genome position (GRCh38, 1-based): chr8:1,896,429, G>A. VCF-style: chr8-1896429-G-A. GRCh37 (hg19) VCF-style: chr8-1844595-G-A.
Other names: c.1423G>A, p.Ala475Thr (NM_001308152.2); c.1540G>A, p.Ala514Thr (NM_001308153.3); short protein forms A475T, A513T, A538T, A514T.
Identifiers: ClinVar variation 1353195 (VCV001353195.6), dbSNP rs544033474, ClinGen allele CA4600416.
Genomic context (GRCh38, chr8:1,896,429, plus strand): 5'-TATGTGAACAATTTCAGCACAGCCGTGGCAGTCCTCAAGAAAACATGTGCCACAAAGCCC[G>A]CTTTTCTTGAATTTTTAAAGGTAAGCGCTTTTTTTTTTCATTTGGGTTTTAACACCATCT-3'
Protein context (NP_055444.2, residues 503-523): VLKKTCATKP[Ala513Thr]FLEFLKQEQE

ClinVar aggregate classification (germline): Uncertain significance (1 of 4 stars; one submission).

Allele frequency attached by ClinVar (database versions not stated): gnomAD 0.00005 and 0.00008; 1000 Genomes Project 0.00100; 1000 Genomes Project 30x 0.00109.
gnomAD v4.1: 27 of 1,613,106 alleles (0.0017%); highest among the groups gnomAD compares: Admixed American, 0.017%; no homozygotes.

Submission:

Labcorp Genetics (formerly Invitae), Labcorp
Classification: Uncertain significance. Last evaluated: 2024-07-23. Review status: criteria provided, single submitter. Criteria: Invitae Variant Classification Sherloc (09022015). Collection method: clinical testing. Allele origin: germline.
Comment: This sequence change replaces alanine, which is neutral and non-polar, with threonine, which is neutral and polar, at codon 513 of the ARHGEF10 protein (p.Ala513Thr). This variant is present in population databases (rs544033474, gnomAD 0.01%). This variant has not been reported in the literature in individuals affected with ARHGEF10-related conditions. ClinVar contains an entry for this variant (Variation ID: 1353195). Advanced modeling of protein sequence and biophysical properties (such as structural, functional, and spatial information, amino acid conservation, physicochemical variation, residue mobility, and thermodynamic stability) performed at Invitae indicates that this missense variant is not expected to disrupt ARHGEF10 protein function with a negative predictive value of 80%. In summary, the available evidence is currently insufficient to determine the role of this variant in disease. Therefore, it has been classified as a Variant of Uncertain Significance.